The following is an entry in ClinVar:

ClinVar aggregate classification (germline): Uncertain significance (1 of 4 stars; one submission).

Conditions:
Charcot-Marie-Tooth disease axonal type 2O. Also called: CHARCOT-MARIE-TOOTH NEUROPATHY, AXONAL, TYPE 2O; CHARCOT-MARIE-TOOTH DISEASE, AXONAL, AUTOSOMAL DOMINANT, TYPE 2O; Charcot-Marie-Tooth Neuropathy Type 2O; Charcot-Marie-Tooth disease, axonal, type 20. Identifiers: Orphanet 284232, MedGen C3280220, MONDO:0013644, OMIM 614228.

Allele frequency attached by ClinVar (database versions not stated): gnomAD exomes below 0.00001.
gnomAD v4.1: 7 of 1,614,176 alleles (0.00043%); highest among the groups gnomAD compares: Non-Finnish European, 0.00059%; no homozygotes.

Submission:

Labcorp Genetics (formerly Invitae), Labcorp
Classification: Uncertain significance for Charcot-Marie-Tooth disease axonal type 2O. Last evaluated: 2025-06-20. Review status: criteria provided, single submitter. Criteria: Invitae Variant Classification Sherloc (09022015). Collection method: clinical testing. Allele origin: germline.
Comment: This sequence change replaces glutamic acid, which is acidic and polar, with lysine, which is basic and polar, at codon 1215 of the DYNC1H1 protein (p.Glu1215Lys). This variant is not present in population databases (gnomAD no frequency). This variant has not been reported in the literature in individuals affected with DYNC1H1-related conditions. ClinVar contains an entry for this variant (Variation ID: 2413340). Invitae Evidence Modeling of protein sequence and biophysical properties (such as structural, functional, and spatial information, amino acid conservation, physicochemical variation, residue mobility, and thermodynamic stability) indicates that this missense variant is expected to disrupt DYNC1H1 protein function with a positive predictive value of 95%. In summary, the available evidence is currently insufficient to determine the role of this variant in disease. Therefore, it has been classified as a Variant of Uncertain Significance.

NM_001376.5(DYNC1H1):c.3643G>A (p.Glu1215Lys)

Gene: DYNC1H1 (dynein cytoplasmic 1 heavy chain 1; plus strand). Cytogenetic location: 14q32.31.
Variant type: single nucleotide variant.
Coding change: c.3643G>A on transcript NM_001376.5 (MANE Select); coding-DNA position 3643, G replaced by A.
Protein change: p.Glu1215Lys; replaces glutamic acid 1215 with lysine.
Molecular consequence: missense variant.
Genome position (GRCh38, 1-based): chr14:101,997,113, G>A. VCF-style: chr14-101997113-G-A. GRCh37 (hg19) VCF-style: chr14-102463450-G-A.
Other names: short protein forms E1215K.
Identifiers: ClinVar variation 2413340 (VCV002413340.6), dbSNP rs2503720218, ClinGen allele CA391035900.